The following is an entry in ClinVar:

ClinVar aggregate classification (germline): Uncertain significance. Review status: criteria provided, single submitter (1 of 4 stars). 2 submissions from 2 submitters: Uncertain significance (1). 1 of the submissions does not count toward it. Last evaluated 2024-10-23.

Conditions:
Developmental and epileptic encephalopathy, 68. Also called: EPILEPTIC ENCEPHALOPATHY, EARLY INFANTILE, 68. Identifiers: MedGen C4748688, MONDO:0032598, OMIM 618201.

Allele frequency attached by ClinVar (database versions not stated): gnomAD exomes below 0.00001 and 0.00001; ExAC 0.00001; gnomAD 0.00001; TOPMed 0.00002.
gnomAD v4.1: 7 of 1,613,992 alleles (0.00043%); highest among the groups gnomAD compares: Admixed American, 0.005%; no homozygotes.

Submissions (2):

Labcorp Genetics (formerly Invitae), Labcorp
Classification: Uncertain significance. Last evaluated: 2024-10-23. Review status: criteria provided, single submitter. Criteria: Invitae Variant Classification Sherloc (09022015). Collection method: clinical testing. Allele origin: germline.
Comment: This sequence change replaces threonine, which is neutral and polar, with serine, which is neutral and polar, at codon 653 of the TRAK1 protein (p.Thr653Ser). This variant is present in population databases (rs777772737, gnomAD 0.01%). This variant has not been reported in the literature in individuals affected with TRAK1-related conditions. ClinVar contains an entry for this variant (Variation ID: 1687732). An algorithm developed to predict the effect of missense changes on protein structure and function (PolyPhen-2) suggests that this variant is likely to be tolerated. In summary, the available evidence is currently insufficient to determine the role of this variant in disease. Therefore, it has been classified as a Variant of Uncertain Significance.

Diagnostic and Treatment Unit for Congenital Metabolic Diseases, Hopital Clínico Universitario de Santiago de Compostela (CHUS)
Classification: Uncertain significance for Developmental and epileptic encephalopathy, 68. Last evaluated: 2022-04-19. Review status: no assertion criteria provided. Collection method: clinical testing. Allele origin: paternal. Inheritance: Autosomal recessive inheritance. Affected: yes. Observed: 1 compound heterozygote. Not counted in ClinVar's aggregate classification.

NM_001042646.3(TRAK1):c.1957A>T (p.Thr653Ser)

Gene: TRAK1 (trafficking kinesin protein 1; plus strand). Cytogenetic location: 3p22.1.
Variant type: single nucleotide variant.
Coding change: c.1957A>T on transcript NM_001042646.3 (MANE Select); coding-DNA position 1957, A replaced by T.
Protein change: p.Thr653Ser; replaces threonine 653 with serine.
Molecular consequence: missense variant. On other transcripts: intron variant (3).
Genome position (GRCh38, 1-based): chr3:42,209,979, A>T. VCF-style: chr3-42209979-A-T. GRCh37 (hg19) VCF-style: chr3-42251471-A-T.
Other names: c.1957A>T, p.Thr653Ser (NM_001265608.2, NM_001349247.2); c.1735A>T, p.Thr579Ser (NM_001265609.2, NM_001349249.1); c.1783A>T, p.Thr595Ser (NM_014965.5); c.1588+57A>T (NM_001349245.1); c.1900+57A>T (NM_001349246.2); c.1678+57A>T (NM_001349248.1); short protein forms T579S, T595S, T653S.
Identifiers: ClinVar variation 1687732 (VCV001687732.8), dbSNP rs777772737, ClinGen allele CA2333658.